The following is an entry in ClinVar:

ClinVar aggregate classification (germline): Uncertain significance. Review status: criteria provided, multiple submitters, no conflicts (2 of 4 stars). 2 submissions from 2 submitters: Uncertain significance (2). Last evaluated 2023-05-18.

Conditions:
GNAS-related disorder. Identifiers: MedGen CN380105.

Allele frequency attached by ClinVar (database versions not stated): TOPMed 0.00001.
gnomAD v4.1: 8 of 1,596,044 alleles (0.0005%); highest among the groups gnomAD compares: South Asian, 0.0011%; no homozygotes.

Submissions (2):

PreventionGenetics, part of Exact Sciences
Classification: Uncertain significance for GNAS-related condition. Last evaluated: 2023-05-18. Review status: criteria provided, single submitter. Criteria: ACMG Guidelines, 2015. Collection method: clinical testing. Allele origin: germline.
Comment: The GNAS c.1642G>A variant is predicted to result in the amino acid substitution p.Ala548Thr. To our knowledge, this variant has not been reported in the literature. This variant is reported in 0.0011% of alleles in individuals of European (Non-Finnish) descent in gnomAD. At this time, the clinical significance of this variant is uncertain due to the absence of conclusive functional and genetic evidence.

CeGaT Center for Human Genetics Tuebingen
Classification: Uncertain significance. Last evaluated: 2019-11-01. Review status: criteria provided, single submitter. Criteria: CeGaT Center For Human Genetics Tuebingen Variant Classification Criteria Version 2. Collection method: clinical testing. Allele origin: germline. Affected: yes. Observed: 1 variant allele.

NM_080425.4(GNAS):c.1642G>A (p.Ala548Thr)

Gene: GNAS (GNAS complex locus; plus strand). Cytogenetic location: 20q13.32.
Variant type: single nucleotide variant.
Coding change: c.1642G>A on transcript NM_080425.4 (MANE Plus Clinical); coding-DNA position 1642, G replaced by A.
Protein change: p.Ala548Thr; replaces alanine 548 with threonine.
Molecular consequence: missense variant. On other transcripts: synonymous variant (2), intron variant (3).
Genome position (GRCh38, 1-based): chr20:58,854,907, G>A. VCF-style: chr20-58854907-G-A. GRCh37 (hg19) VCF-style: chr20-57429962-G-A.
Other names: c.1455G>A, p.Ala485= (NM_001077490.3, NM_001309883.1); c.1642G>A, p.Ala548Thr (NM_001410913.1); c.*42+14021G>A (NM_016592.5); c.43+14021G>A (NM_001410912.1); c.-39+13032G>A (NM_001309861.2); short protein forms A548T.
Identifiers: ClinVar variation 871092 (VCV000871092.39), dbSNP rs760016801, ClinGen allele CA409461334.